The following is an entry in ClinVar:

ClinVar aggregate classification (germline): Uncertain significance (1 of 4 stars; one submission).

Conditions:
GNAS-related disorder. Identifiers: MedGen CN380105.

gnomAD v4.1: 1 of 1,611,020 alleles (0.000062%); highest among the groups gnomAD compares: Non-Finnish European, 0.000085%; no homozygotes.

Submission:

PreventionGenetics, part of Exact Sciences
Classification: Uncertain significance for GNAS-related condition. Last evaluated: 2026-09-18. Review status: criteria provided, single submitter. Criteria: ACMG Guidelines, 2015. Collection method: clinical testing. Allele origin: germline.
Comment: The GNAS c.485G>T variant is predicted to result in the amino acid substitution p.Arg162Leu. To our knowledge, this variant has not been reported in the literature or in a large population database (gnomAD), indicating this variant is rare. In the primary transcript listed in the Human Gene Mutation Database (NM_000516), this variant is pre-coding (c.-12675G>T). At this time, the clinical significance of this variant is uncertain due to the absence of conclusive functional and genetic evidence.

NM_016592.5(GNAS):c.485G>T (p.Arg162Leu)

Genes: GNAS (GNAS complex locus; plus strand), GNAS-AS1 (GNAS antisense RNA 1; minus strand). Cytogenetic location: 20q13.32.
Variant type: single nucleotide variant.
Coding change: c.485G>T on transcript NM_016592.5 (MANE Plus Clinical); coding-DNA position 485, G replaced by T.
Protein change: p.Arg162Leu; replaces arginine 162 with leucine.
Molecular consequence: missense variant. On other transcripts: 5 prime UTR variant (1).
Genome position (GRCh38, 1-based): chr20:58,840,591, G>T. VCF-style: chr20-58840591-G-T. GRCh37 (hg19) VCF-style: chr20-57415646-G-T.
Other names: c.-253G>T (NM_001410912.1); short protein forms R162L.
Identifiers: ClinVar variation 4994700 (VCV004994700.1).